The following is an entry in ClinVar:

NM_033118.4(MYLK2):c.759C>G (p.Cys253Trp)

Gene: MYLK2 (myosin light chain kinase 2; plus strand). Cytogenetic location: 20q11.21.
Variant type: single nucleotide variant.
Coding change: c.759C>G on transcript NM_033118.4 (MANE Select); coding-DNA position 759, C replaced by G.
Protein change: p.Cys253Trp; replaces cysteine 253 with tryptophan.
Molecular consequence: missense variant.
Genome position (GRCh38, 1-based): chr20:31,821,724, C>G. VCF-style: chr20-31821724-C-G. GRCh37 (hg19) VCF-style: chr20-30409527-C-G.
Other names: short protein forms C253W.
Identifiers: ClinVar variation 928924 (VCV000928924.5), dbSNP rs773021152, ClinGen allele CA9802984.

ClinVar aggregate classification (germline): Uncertain significance. Review status: criteria provided, multiple submitters, no conflicts (2 of 4 stars). 4 submissions from 4 submitters: Uncertain significance (4). Last evaluated 2025-07-29.

Conditions:
Hypertrophic cardiomyopathy 1 (CMH1). Also called: MYH7-Related Familial Hypertrophic Cardiomyopathy; Familial hypertrophic cardiomyopathy 1. Identifiers: MedGen C3495498, MONDO:0008647, OMIM 192600.

Allele frequency attached by ClinVar (database versions not stated): gnomAD exomes below 0.00001; ExAC 0.00001.
gnomAD v4.1: 1 of 1,600,742 alleles (0.000062%); highest among the groups gnomAD compares: Non-Finnish European, 0.000085%; no homozygotes.

Submissions (4):

Labcorp Genetics (formerly Invitae), Labcorp
Classification: Uncertain significance for Hypertrophic cardiomyopathy 1. Last evaluated: 2025-07-29. Review status: criteria provided, single submitter. Criteria: Invitae Variant Classification Sherloc (09022015). Collection method: clinical testing. Allele origin: germline.
Comment: This sequence change replaces cysteine, which is neutral and slightly polar, with tryptophan, which is neutral and slightly polar, at codon 253 of the MYLK2 protein (p.Cys253Trp). This variant is present in population databases (rs773021152, gnomAD 0.0009%). This variant has not been reported in the literature in individuals affected with MYLK2-related conditions. ClinVar contains an entry for this variant (Variation ID: 928924). Invitae Evidence Modeling of protein sequence and biophysical properties (such as structural, functional, and spatial information, amino acid conservation, physicochemical variation, residue mobility, and thermodynamic stability) indicates that this missense variant is not expected to disrupt MYLK2 protein function with a negative predictive value of 80%. In summary, the available evidence is currently insufficient to determine the role of this variant in disease. Therefore, it has been classified as a Variant of Uncertain Significance.

GeneDx
Classification: Uncertain significance. Last evaluated: 2019-11-06. Review status: criteria provided, single submitter. Criteria: GeneDx Variant Classification Process June 2021. Collection method: clinical testing. Allele origin: germline. Affected: yes.
Comment: Has not been previously published as pathogenic or benign to our knowledge; Not observed at a significant frequency in large population cohorts (Lek et al., 2016); In silico analysis, which includes protein predictors and evolutionary conservation, supports a deleterious effect

Women's Health and Genetics/Laboratory Corporation of America, LabCorp
Classification: Uncertain significance. Last evaluated: 2019-07-08. Review status: criteria provided, single submitter. Criteria: LabCorp Variant Classification Summary - May 2015. Collection method: clinical testing. Allele origin: germline.
Comment: Variant summary: MYLK2 c.759C>G (p.Cys253Trp) results in a non-conservative amino acid change in the encoded protein sequence. Three of five in-silico tools predict a damaging effect of the variant on protein function. The variant allele was found at a frequency of 4.1e-06 in 242594 control chromosomes (gnomAD). The available data on variant occurrences in the general population are insufficient to allow any conclusion about variant significance. To our knowledge, no occurrence of c.759C>G in individuals affected with Cardiomyopathy and no experimental evidence demonstrating its impact on protein function have been reported. No clinical diagnostic laboratories have submitted clinical-significance assessments for this variant to ClinVar after 2014. Based on the evidence outlined above, the variant was classified as uncertain significance.

Breakthrough Genomics
Classification: Uncertain significance. Review status: criteria provided, single submitter. Criteria: ACMG Guidelines, 2015. Collection method: not provided. Allele origin: germline. Inheritance: Autosomal dominant inheritance. Affected: yes.